The following is an entry in ClinVar:

ClinVar aggregate classification (germline): Likely benign (1 of 4 stars; one submission).

Submission:

CeGaT Center for Human Genetics Tuebingen
Classification: Likely benign. Last evaluated: 2023-01-01. Review status: criteria provided, single submitter. Criteria: CeGaT Center For Human Genetics Tuebingen Variant Classification Criteria Version 2. Collection method: clinical testing. Allele origin: germline. Affected: yes. Observed: 1 variant allele.
Comment: LGALS9B: BP4, BP7

NM_001367292.2(LGALS9B):c.1059C>T (p.His353=)

Gene: LGALS9B (galectin 9B; minus strand). Cytogenetic location: 17p11.2.
Variant type: single nucleotide variant.
Coding change: c.1059C>T on transcript NM_001367292.2 (MANE Select); coding-DNA position 1059, C replaced by T.
Protein change: p.His353=; no amino-acid change (histidine 353 retained).
Molecular consequence: synonymous variant.
Genome position (GRCh38, 1-based): chr17:20,449,985, G>A on the plus strand (C>T on the coding strand, the complement: LGALS9B is on the minus strand). VCF-style: chr17-20449985-G-A. GRCh37 (hg19) VCF-style: chr17-20353298-G-A.
Other names: c.1056C>T, p.His352= (NM_001042685.3).
Identifiers: ClinVar variation 2647568 (VCV002647568.24), dbSNP rs1210802012, ClinGen allele CA498715240.
Genomic context (GRCh38, chr17:20,449,985, plus strand): 5'-CCCGACTGCCCCACACCCCAGCCCCCGGCCCCAGGGCCAGGGAGCCGCCTATGTCTGCAC[G>A]TGGGTCAGCTGGATGTCGCCACCCACTTCCAGTTTGTTGATGGTGGGCAGGTTCCTCAGG-3'
Protein context (NP_001354221.1, residues 343-356): LEVGGDIQLT[His353=]VQT